The following is an entry in ClinVar:

NM_005911.6(MAT2A):c.835G>C (p.Gly279Arg)

Genes: GGCX (gamma-glutamyl carboxylase; minus strand), MAT2A (methionine adenosyltransferase 2A; plus strand). Cytogenetic location: 2p11.2.
Variant type: single nucleotide variant.
Coding change: c.835G>C on transcript NM_005911.6 (MANE Select); coding-DNA position 835, G replaced by C.
Protein change: p.Gly279Arg; replaces glycine 279 with arginine.
Molecular consequence: missense variant.
Genome position (GRCh38, 1-based): chr2:85,542,631, G>C. VCF-style: chr2-85542631-G-C. GRCh37 (hg19) VCF-style: chr2-85769754-G-C.
Other names: short protein forms G279R.
Identifiers: ClinVar variation 3662546 (VCV003662546.2).

ClinVar aggregate classification (germline): Uncertain significance (1 of 4 stars; one submission).

Conditions:
Familial thoracic aortic aneurysm and aortic dissection (TAAD). Also called: Thoracic aortic aneurysms and dissections. Identifiers: Orphanet 91387, MedGen C4707243, MONDO:0019625.

Submission:

Labcorp Genetics (formerly Invitae), Labcorp
Classification: Uncertain significance for Familial thoracic aortic aneurysm and aortic dissection. Last evaluated: 2024-08-15. Review status: criteria provided, single submitter. Criteria: Invitae Variant Classification Sherloc (09022015). Collection method: clinical testing. Allele origin: germline.
Comment: This sequence change replaces glycine, which is neutral and non-polar, with arginine, which is basic and polar, at codon 279 of the MAT2A protein (p.Gly279Arg). This variant is not present in population databases (gnomAD no frequency). This variant has not been reported in the literature in individuals affected with MAT2A-related conditions. Invitae Evidence Modeling of protein sequence and biophysical properties (such as structural, functional, and spatial information, amino acid conservation, physicochemical variation, residue mobility, and thermodynamic stability) indicates that this missense variant is expected to disrupt MAT2A protein function with a positive predictive value of 80%. In summary, the available evidence is currently insufficient to determine the role of this variant in disease. Therefore, it has been classified as a Variant of Uncertain Significance.